The following is an entry in ClinVar:

ClinVar aggregate classification (germline): Uncertain significance (1 of 4 stars; one submission).

Conditions:
Inborn genetic diseases. Identifiers: MedGen C0950123, MeSH D030342.

Submission:

Ambry Genetics
Classification: Uncertain significance for Inborn genetic diseases. Last evaluated: 2025-02-27. Review status: criteria provided, single submitter. Criteria: Ambry Variant Classification Scheme 2023. Collection method: clinical testing. Allele origin: germline.
Comment: The c.1622-2dupA intronic variant, results from a duplication of one nucleotide at nucleotide position 1622-2 before coding exon 16 of the DDX41 gene. This nucleotide position is highly conserved in available vertebrate species. In silico splice site analysis predicts that this alteration will not have any significant effect on splicing. Based on the available evidence, the clinical significance of this variant remains unclear.

NM_016222.4(DDX41):c.1622-2dup

Gene: DDX41 (DEAD-box helicase 41; minus strand). Cytogenetic location: 5q35.3.
Variant type: Duplication.
Coding change: c.1622-2dup on transcript NM_016222.4 (MANE Select); the canonical splice acceptor site of the intron before coding-DNA position 1622, one base duplicated (A; older notation c.1622-2dupA).
Molecular consequence: splice acceptor variant.
Genome position (GRCh38, 1-based): chr5:177,512,208, T duplicated on the plus strand (A on the coding strand, the reverse complement: DDX41 is on the minus strand). VCF-style (leftmost placement, unchanged base first): chr5-177512207-C-CT. GRCh37 (hg19) VCF-style: chr5-176939208-C-CT.
Other names: c.1244-2dup (NM_001321830.2, NM_001321732.2).
Identifiers: ClinVar variation 3839041 (VCV003839041.1).